The following is an entry in ClinVar:

ClinVar aggregate classification (germline): Uncertain significance. Review status: criteria provided, multiple submitters, no conflicts (2 of 4 stars). 2 submissions from 2 submitters: Uncertain significance (2). Last evaluated 2024-06-01.

Conditions:
Diamond-Blackfan anemia. Also called: Blackfan Diamond syndrome; Aregenerative anemia chronic congenital; Red cell aplasia, pure hereditary; Congenital hypoplastic anemia; Aase syndrome. Identifiers: Orphanet 124, MedGen C1260899, MeSH D029503, MONDO:0015253, HP:0004810.
Diamond-Blackfan anemia 9 (DBA9). Also called: RPS10-Related Diamond-Blackfan Anemia. Identifiers: Orphanet 124, MedGen C2750081, MONDO:0013216, OMIM 613308.

Allele frequency attached by ClinVar (database versions not stated): gnomAD exomes below 0.00001; TOPMed below 0.00001; gnomAD 0.00001.
gnomAD v4.1: 2 of 1,612,940 alleles (0.00012%); highest among the groups gnomAD compares: Non-Finnish European, 0.00017%; no homozygotes.

Submissions (2):

Fulgent Genetics
Classification: Uncertain significance for Diamond-Blackfan anemia 9. Last evaluated: 2024-06-01. Review status: criteria provided, single submitter. Criteria: ACMG Guidelines, 2015. Collection method: clinical testing. Allele origin: germline.

Labcorp Genetics (formerly Invitae), Labcorp
Classification: Uncertain significance for Diamond-Blackfan anemia. Last evaluated: 2022-03-18. Review status: criteria provided, single submitter. Criteria: Invitae Variant Classification Sherloc (09022015). Collection method: clinical testing. Allele origin: germline.
Comment: This sequence change replaces arginine, which is basic and polar, with histidine, which is basic and polar, at codon 158 of the RPS10 protein (p.Arg158His). This variant is not present in population databases (gnomAD no frequency). In summary, the available evidence is currently insufficient to determine the role of this variant in disease. Therefore, it has been classified as a Variant of Uncertain Significance. Algorithms developed to predict the effect of missense changes on protein structure and function (SIFT, PolyPhen-2, Align-GVGD) all suggest that this variant is likely to be tolerated. This variant has not been reported in the literature in individuals affected with RPS10-related conditions.

NM_001014.5(RPS10):c.473G>A (p.Arg158His)

Genes: RPS10 (ribosomal protein S10; minus strand), RPS10-NUDT3 (RPS10-NUDT3 readthrough; minus strand). Cytogenetic location: 6p21.31.
Variant type: single nucleotide variant.
Coding change: c.473G>A on transcript NM_001014.5 (MANE Select); coding-DNA position 473, G replaced by A.
Protein change: p.Arg158His; replaces arginine 158 with histidine.
Molecular consequence: missense variant. On other transcripts: intron variant (1).
Genome position (GRCh38, 1-based): chr6:34,417,531, C>T on the plus strand (G>A on the coding strand, the complement: RPS10 is on the minus strand). VCF-style: chr6-34417531-C-T. GRCh37 (hg19) VCF-style: chr6-34385308-C-T.
Other names: c.473G>A, p.Arg158His (NM_001203245.3, NM_001204091.2); c.456+838G>A (NM_001202470.3); short protein forms R158H.
Identifiers: ClinVar variation 2188557 (VCV002188557.5), dbSNP rs1765620628, ClinGen allele CA363885557.
Genomic context (GRCh38, chr6:34,417,531, plus strand): 5'-TAAGTTTATTCAATGCAAAAGAATCCTCTCCAATTTTACTGAGGTGGCTGACCACGTCCA[C>T]GACCAAATCCGCCTCTCTGTAAGAGAAAGCACATCACATCAGCATGAGCGGCACTCTGGT-3'
Protein context (NP_001005.1, residues 148-165): TEFQFRGGFG[Arg158His]GRGQPPQ